The following is an entry in ClinVar:

NM_018671.5(UNC45A):c.1087G>A (p.Val363Met)

Gene: UNC45A (unc-45 myosin chaperone A; plus strand). Cytogenetic location: 15q26.1.
Variant type: single nucleotide variant.
Coding change: c.1087G>A on transcript NM_018671.5 (MANE Select); coding-DNA position 1087, G replaced by A.
Protein change: p.Val363Met; replaces valine 363 with methionine.
Molecular consequence: missense variant.
Genome position (GRCh38, 1-based): chr15:90,944,951, G>A. VCF-style: chr15-90944951-G-A. GRCh37 (hg19) VCF-style: chr15-91488181-G-A.
Other names: c.1042G>A, p.Val348Met (NM_001039675.2, NM_001323621.2); c.1087G>A, p.Val363Met (NM_001323619.1); c.652G>A, p.Val218Met (NM_001323620.2); short protein forms V218M, V348M, V363M.
Identifiers: ClinVar variation 2102326 (VCV002102326.4), dbSNP rs1351553130, ClinGen allele CA393854836.

ClinVar aggregate classification (germline): Uncertain significance (1 of 4 stars; one submission).

Allele frequency attached by ClinVar (database versions not stated): gnomAD exomes below 0.00001.
gnomAD v4.1: 2 of 1,612,684 alleles (0.00012%); highest among the groups gnomAD compares: Admixed American, 0.0033%; no homozygotes.

Submission:

Labcorp Genetics (formerly Invitae), Labcorp
Classification: Uncertain significance. Last evaluated: 2022-02-23. Review status: criteria provided, single submitter. Criteria: Invitae Variant Classification Sherloc (09022015). Collection method: clinical testing. Allele origin: germline.
Comment: This variant is present in population databases (no rsID available, gnomAD 0.003%). This sequence change replaces valine, which is neutral and non-polar, with methionine, which is neutral and non-polar, at codon 363 of the UNC45A protein (p.Val363Met). This variant has not been reported in the literature in individuals affected with UNC45A-related conditions. In summary, the available evidence is currently insufficient to determine the role of this variant in disease. Therefore, it has been classified as a Variant of Uncertain Significance. Algorithms developed to predict the effect of missense changes on protein structure and function are either unavailable or do not agree on the potential impact of this missense change (SIFT: "Not Available"; PolyPhen-2: "Benign"; Align-GVGD: "Not Available").